The following is an entry in ClinVar:

NM_001013838.3(CARMIL2):c.565G>A (p.Gly189Ser)

Gene: CARMIL2 (capping protein regulator and myosin 1 linker 2; plus strand). Cytogenetic location: 16q22.1.
Variant type: single nucleotide variant.
Coding change: c.565G>A on transcript NM_001013838.3 (MANE Select); coding-DNA position 565, G replaced by A.
Protein change: p.Gly189Ser; replaces glycine 189 with serine.
Molecular consequence: missense variant.
Genome position (GRCh38, 1-based): chr16:67,646,927, G>A. VCF-style: chr16-67646927-G-A. GRCh37 (hg19) VCF-style: chr16-67680830-G-A.
Other names: c.565G>A, p.Gly189Ser (NM_001317026.3); short protein forms G189S.
Identifiers: ClinVar variation 1932360 (VCV001932360.4), dbSNP rs1355297766, ClinGen allele CA396331751.

ClinVar aggregate classification (germline): Uncertain significance (1 of 4 stars; one submission).

gnomAD v4.1: 16 of 1,613,620 alleles (0.00099%); highest among the groups gnomAD compares: Non-Finnish European, 0.0013%; no homozygotes.

Submission:

Labcorp Genetics (formerly Invitae), Labcorp
Classification: Uncertain significance. Last evaluated: 2024-10-21. Review status: criteria provided, single submitter. Criteria: Invitae Variant Classification Sherloc (09022015). Collection method: clinical testing. Allele origin: germline.
Comment: This sequence change replaces glycine, which is neutral and non-polar, with serine, which is neutral and polar, at codon 189 of the CARMIL2 protein (p.Gly189Ser). This variant is present in population databases (no rsID available, gnomAD 0.0009%). This variant has not been reported in the literature in individuals affected with CARMIL2-related conditions. ClinVar contains an entry for this variant (Variation ID: 1932360). Invitae Evidence Modeling of protein sequence and biophysical properties (such as structural, functional, and spatial information, amino acid conservation, physicochemical variation, residue mobility, and thermodynamic stability) indicates that this missense variant is not expected to disrupt CARMIL2 protein function with a negative predictive value of 80%. In summary, the available evidence is currently insufficient to determine the role of this variant in disease. Therefore, it has been classified as a Variant of Uncertain Significance.